The following is an entry in ClinVar:

ClinVar aggregate classification (germline): Uncertain significance (1 of 4 stars; one submission).

Submission:

GeneDx
Classification: Uncertain significance. Last evaluated: 2026-01-25. Review status: criteria provided, single submitter. Criteria: GeneDx Variant Classification Process June 2021. Collection method: clinical testing. Allele origin: germline.
Comment: Not observed at significant frequency in large population cohorts (gnomAD); In silico analysis supports that this missense variant has a deleterious effect on protein structure/function; Has not been previously published as pathogenic or benign to our knowledge

NM_019032.6(ADAMTSL4):c.3174T>G (p.Cys1058Trp)

Gene: ADAMTSL4 (ADAMTS like 4; plus strand). Cytogenetic location: 1q21.2.
Variant type: single nucleotide variant.
Coding change: c.3174T>G on transcript NM_019032.6 (MANE Select); coding-DNA position 3174, T replaced by G.
Protein change: p.Cys1058Trp; replaces cysteine 1058 with tryptophan.
Molecular consequence: missense variant.
Genome position (GRCh38, 1-based): chr1:150,560,145, T>G. VCF-style: chr1-150560145-T-G. GRCh37 (hg19) VCF-style: chr1-150532621-T-G.
Other names: c.3057T>G, p.Cys1019Trp (NM_001288607.2); c.3243T>G, p.Cys1081Trp (NM_001288608.2); c.3174T>G, p.Cys1058Trp (NM_001378596.1); short protein forms C1019W, C1058W, C1081W.
Identifiers: ClinVar variation 4975323 (VCV004975323.1).
Genomic context (GRCh38, chr1:150,560,145, plus strand): 5'-ACATTGCCCCCTGGTGGTACAGGCCCGGCTCTGCGTCTACCCCTACTACACAGCCACCTG[T>G]TGCCGCTCTTGCGCACATGTCCTGGAGCGGTCTCCCCAGGATCCCTCCTGAAAGGGGTCC-3'
Protein context (NP_061905.2, residues 1048-1068): LCVYPYYTAT[Cys1058Trp]CRSCAHVLER